The following is an entry in ClinVar:

ClinVar aggregate classification (germline): Uncertain significance (1 of 4 stars; one submission).

Submission:

GeneDx
Classification: Uncertain significance. Last evaluated: 2024-11-14. Review status: criteria provided, single submitter. Criteria: GeneDx Variant Classification Process June 2021. Collection method: clinical testing. Allele origin: germline.
Comment: Not observed at significant frequency in large population cohorts (gnomAD); In silico analysis supports that this missense variant has a deleterious effect on protein structure/function; Has not been previously published as pathogenic or benign to our knowledge

NM_000130.5(F5):c.61T>C (p.Trp21Arg)

Gene: F5 (coagulation factor V; minus strand). Cytogenetic location: 1q24.2.
Variant type: single nucleotide variant.
Coding change: c.61T>C on transcript NM_000130.5 (MANE Select); coding-DNA position 61, T replaced by C.
Protein change: p.Trp21Arg; replaces tryptophan 21 with arginine.
Molecular consequence: missense variant.
Genome position (GRCh38, 1-based): chr1:169,586,326, A>G on the plus strand (T>C on the coding strand, the complement: F5 is on the minus strand). VCF-style: chr1-169586326-A-G. GRCh37 (hg19) VCF-style: chr1-169555564-A-G.
Other names: short protein forms W21R.
Identifiers: ClinVar variation 2497983 (VCV002497983.2), dbSNP rs2526504427, ClinGen allele CA343146279.